The following is an entry in ClinVar:

ClinVar aggregate classification (germline): Uncertain significance. Review status: criteria provided, multiple submitters, no conflicts (2 of 4 stars). 3 submissions from 3 submitters: Uncertain significance (3). Last evaluated 2026-01-01.

Allele frequency attached by ClinVar (database versions not stated): gnomAD 0.00005 and 0.00006; TOPMed 0.00005; gnomAD exomes 0.00015; ESP Exome Variant Server 0.00023; ExAC 0.00031.
gnomAD v4.1: 124 of 1,607,604 alleles (0.0077%); highest among the groups gnomAD compares: Middle Eastern, 0.017%; 1 homozygote.

Submissions (3):

CeGaT Center for Human Genetics Tuebingen
Classification: Uncertain significance. Last evaluated: 2026-01-01. Review status: criteria provided, single submitter. Criteria: CeGaT Center For Human Genetics Tuebingen Variant Classification Criteria Version 2. Collection method: clinical testing. Allele origin: germline. Affected: yes. Observed: 1 variant allele.
Comment: NXN: PP3

Ambry Genetics
Classification: Uncertain significance. Last evaluated: 2024-06-18. Review status: criteria provided, single submitter. Criteria: Ambry Variant Classification Scheme 2023. Collection method: clinical testing. Allele origin: germline.

Labcorp Genetics (formerly Invitae), Labcorp
Classification: Uncertain significance. Last evaluated: 2022-06-13. Review status: criteria provided, single submitter. Criteria: Invitae Variant Classification Sherloc (09022015). Collection method: clinical testing. Allele origin: germline.
Comment: This sequence change replaces glutamine, which is neutral and polar, with leucine, which is neutral and non-polar, at codon 245 of the NXN protein (p.Gln245Leu). This variant is present in population databases (rs142489141, gnomAD 0.04%). This variant has not been reported in the literature in individuals affected with NXN-related conditions. Algorithms developed to predict the effect of missense changes on protein structure and function are either unavailable or do not agree on the potential impact of this missense change (SIFT: "Deleterious"; PolyPhen-2: "Possibly Damaging"; Align-GVGD: "Class C0"). In summary, the available evidence is currently insufficient to determine the role of this variant in disease. Therefore, it has been classified as a Variant of Uncertain Significance.

NM_022463.5(NXN):c.734A>T (p.Gln245Leu)

Gene: NXN (nucleoredoxin; minus strand). Cytogenetic location: 17p13.3.
Variant type: single nucleotide variant.
Coding change: c.734A>T on transcript NM_022463.5 (MANE Select); coding-DNA position 734, A replaced by T.
Protein change: p.Gln245Leu; replaces glutamine 245 with leucine.
Molecular consequence: missense variant.
Genome position (GRCh38, 1-based): chr17:819,525, T>A on the plus strand (A>T on the coding strand, the complement: NXN is on the minus strand). VCF-style: chr17-819525-T-A. GRCh37 (hg19) VCF-style: chr17-722765-T-A.
Other names: c.734A>T (NM_022463.4); c.410A>T, p.Gln137Leu (NM_001205319.1); short protein forms Q137L, Q245L.
Identifiers: ClinVar variation 1399069 (VCV001399069.9), dbSNP rs142489141, ClinGen allele CA8264108.
Genomic context (GRCh38, chr17:819,525, plus strand): 5'-CGCGACCGCCGGGCCTCATCCGTGTAGGGGACGGCGAGCCAGGGCATCTCACTGAAGTAC[T>A]GTTTGAAGGACTCCTCCGACCTACAGAGAGACACACGTGGCGGGCAAGGCTCAGTATCCC-3'
Protein context (NP_071908.2, residues 235-255): SADRSEESFK[Gln245Leu]YFSEMPWLAV